The following is an entry in ClinVar:

ClinVar aggregate classification (germline): Uncertain significance. Review status: criteria provided, multiple submitters, no conflicts (2 of 4 stars). 2 submissions from 2 submitters: Uncertain significance (2). Last evaluated 2025-10-06.

Conditions:
Spinocerebellar ataxia type 21 (SCA21). Identifiers: Orphanet 98773, MedGen C1843891, MONDO:0011833, OMIM 607454.

Allele frequency attached by ClinVar (database versions not stated): gnomAD 0.00003; gnomAD exomes 0.00004; TOPMed 0.00005.
gnomAD v4.1: 55 of 1,549,762 alleles (0.0035%); highest among the groups gnomAD compares: East Asian, 0.049%; no homozygotes.

Submissions (2):

Labcorp Genetics (formerly Invitae), Labcorp
Classification: Uncertain significance. Last evaluated: 2025-10-06. Review status: criteria provided, single submitter. Criteria: Invitae Variant Classification Sherloc (09022015). Collection method: clinical testing. Allele origin: germline.
Comment: This sequence change replaces valine, which is neutral and non-polar, with isoleucine, which is neutral and non-polar, at codon 110 of the TMEM240 protein (p.Val110Ile). This variant is present in population databases (no rsID available, gnomAD 0.02%). This variant has not been reported in the literature in individuals affected with TMEM240-related conditions. ClinVar contains an entry for this variant (Variation ID: 2437113). An algorithm developed to predict the effect of missense changes on protein structure and function (PolyPhen-2) suggests that this variant is likely to be tolerated. In summary, the available evidence is currently insufficient to determine the role of this variant in disease. Therefore, it has been classified as a Variant of Uncertain Significance.

Revvity Omics, Revvity
Classification: Uncertain significance for Spinocerebellar ataxia type 21. Last evaluated: 2021-01-26. Review status: criteria provided, single submitter. Criteria: ACMG Guidelines, 2015. Collection method: clinical testing. Allele origin: germline.

NM_001114748.2(TMEM240):c.328G>A (p.Val110Ile)

Gene: TMEM240 (transmembrane protein 240; minus strand). Cytogenetic location: 1p36.33.
Variant type: single nucleotide variant.
Coding change: c.328G>A on transcript NM_001114748.2 (MANE Select); coding-DNA position 328, G replaced by A.
Protein change: p.Val110Ile; replaces valine 110 with isoleucine.
Molecular consequence: missense variant.
Genome position (GRCh38, 1-based): chr1:1,535,634, C>T on the plus strand (G>A on the coding strand, the complement: TMEM240 is on the minus strand). VCF-style: chr1-1535634-C-T. GRCh37 (hg19) VCF-style: chr1-1471014-C-T.
Other names: short protein forms V110I.
Identifiers: ClinVar variation 2437113 (VCV002437113.6), dbSNP rs867534273, ClinGen allele CA16796869.
Genomic context (GRCh38, chr1:1,535,634, plus strand): 5'-GCACGAGGCACTCACCGTAGCGCCGTCCGGCTCTCCAGGCGCGCACGGCGCAGTGCAGGA[C>T]GCCGTCCATCCACACCAGGAACCAGCTGATGCAAAAGCCCAGCAGCAGCCCCAGCATGAG-3'
Protein context (NP_001108220.1, residues 100-120): ISWFLVWMDG[Val110Ile]LHCAVRAWRA